The following is an entry in ClinVar:

NM_017617.5(NOTCH1):c.6748G>T (p.Ala2250Ser)

Gene: NOTCH1 (notch receptor 1; minus strand). Cytogenetic location: 9q34.3.
Variant type: single nucleotide variant.
Coding change: c.6748G>T on transcript NM_017617.5 (MANE Select); coding-DNA position 6748, G replaced by T.
Protein change: p.Ala2250Ser; replaces alanine 2250 with serine.
Molecular consequence: missense variant.
Genome position (GRCh38, 1-based): chr9:136,496,991, C>A on the plus strand (G>T on the coding strand, the complement: NOTCH1 is on the minus strand). VCF-style: chr9-136496991-C-A. GRCh37 (hg19) VCF-style: chr9-139391443-C-A.
Other names: short protein forms A2250S.
Identifiers: ClinVar variation 1380584 (VCV001380584.6), dbSNP rs1436539393, ClinGen allele CA375630407.
Genomic context (GRCh38, chr9:136,496,991, plus strand): 5'-GGCCAGTCTCAAAGGCCAGCCGGCCGCCCCCACCCAGCGCCGCCATCTCGGGCTTGGCCG[C>A]CACGTTCAGGTGCCCGATGCCCAGGTGGGTGTCGGGCATCCCAGGCAGGTGGTTGAGGGG-3'
Protein context (NP_060087.3, residues 2240-2260): THLGIGHLNV[Ala2250Ser]AKPEMAALGG

ClinVar aggregate classification (germline): Uncertain significance (1 of 4 stars; one submission).

Conditions:
Adams-Oliver syndrome 5 (AOS5). Identifiers: Orphanet 974, MedGen C4014970, MONDO:0014459, OMIM 616028.

Allele frequency attached by ClinVar (database versions not stated): gnomAD 0.00001.
gnomAD v4.1: 1 of 1,610,396 alleles (0.000062%); highest among the groups gnomAD compares: Non-Finnish European, 0.000085%; no homozygotes.

Submission:

Labcorp Genetics (formerly Invitae), Labcorp
Classification: Uncertain significance for Adams-Oliver syndrome 5. Last evaluated: 2024-10-21. Review status: criteria provided, single submitter. Criteria: Invitae Variant Classification Sherloc (09022015). Collection method: clinical testing. Allele origin: germline.
Comment: This sequence change replaces alanine, which is neutral and non-polar, with serine, which is neutral and polar, at codon 2250 of the NOTCH1 protein (p.Ala2250Ser). This variant is present in population databases (no rsID available, gnomAD 0.007%). This variant has not been reported in the literature in individuals affected with NOTCH1-related conditions. ClinVar contains an entry for this variant (Variation ID: 1380584). Invitae Evidence Modeling of protein sequence and biophysical properties (such as structural, functional, and spatial information, amino acid conservation, physicochemical variation, residue mobility, and thermodynamic stability) indicates that this missense variant is not expected to disrupt NOTCH1 protein function with a negative predictive value of 80%. In summary, the available evidence is currently insufficient to determine the role of this variant in disease. Therefore, it has been classified as a Variant of Uncertain Significance.